The following is an entry in ClinVar:

ClinVar aggregate classification (germline): Uncertain significance. Review status: criteria provided, multiple submitters, no conflicts (2 of 4 stars). 2 submissions from 2 submitters: Uncertain significance (2). Last evaluated 2022-06-22.

gnomAD v4.1: 6 of 1,613,612 alleles (0.00037%); highest among the groups gnomAD compares: Admixed American, 0.0017%; no homozygotes.

Submissions (2):

Women's Health and Genetics/Laboratory Corporation of America, LabCorp
Classification: Uncertain significance. Last evaluated: 2022-06-22. Review status: criteria provided, single submitter. Criteria: LabCorp Variant Classification Summary - May 2015. Collection method: clinical testing. Allele origin: germline.
Comment: Variant summary: TMPRSS3 c.1306C>G (p.Arg436Gly) results in a non-conservative amino acid change located in the Serine proteases, trypsin domain (IPR001254) of the encoded protein sequence. Four of five in-silico tools predict a damaging effect of the variant on protein function. The variant allele was found at a frequency of 4e-06 in 251384 control chromosomes. The available data on variant occurrences in the general population are insufficient to allow any conclusion about variant significance. These data do not allow any conclusion about variant significance. To our knowledge, no experimental evidence demonstrating an impact on protein function has been reported. Three clinical diagnostic laboratories have submitted clinical-significance assessments for this variant to ClinVar after 2014 (likely pathogenic, n=2; VUS, n=1). Based on the evidence outlined above, the variant was classified as uncertain significance.

Blueprint Genetics
Classification: Uncertain significance. Last evaluated: 2019-03-11. Review status: criteria provided, single submitter. Criteria: ACMG Guidelines, 2015. Collection method: clinical testing. Allele origin: germline.

Literature cited by the submitters: PubMed 32860223 (cited by Women's Health and Genetics/Laboratory Corporation of America, LabCorp); PubMed 28566687 (cited by Women's Health and Genetics/Laboratory Corporation of America, LabCorp); PubMed 34868270 (cited by Women's Health and Genetics/Laboratory Corporation of America, LabCorp); PubMed 31379920 (cited by Women's Health and Genetics/Laboratory Corporation of America, LabCorp).

NM_001256317.3(TMPRSS3):c.1303C>G (p.Arg435Gly)

Gene: TMPRSS3 (transmembrane serine protease 3; minus strand). Cytogenetic location: 21q22.3.
Variant type: single nucleotide variant.
Coding change: c.1303C>G on transcript NM_001256317.3 (MANE Select); coding-DNA position 1303, C replaced by G.
Protein change: p.Arg435Gly; replaces arginine 435 with glycine.
Molecular consequence: missense variant.
Genome position (GRCh38, 1-based): chr21:42,375,757, G>C on the plus strand (C>G on the coding strand, the complement: TMPRSS3 is on the minus strand). VCF-style: chr21-42375757-G-C. GRCh37 (hg19) VCF-style: chr21-43795866-G-C.
Other names: c.1306C>G, p.Arg436Gly (NM_024022.4); c.925C>G, p.Arg309Gly (NM_032404.3); short protein forms R309G, R435G, R436G.
Identifiers: ClinVar variation 1698615 (VCV001698615.2), dbSNP rs565348874, ClinGen allele CA410368698.
Genomic context (GRCh38, chr21:42,375,757, plus strand): 5'-GGGAGGGCGCCGCACCCACCTCCATCTGCTCGTGGATCCAGTCCAGGAAGGAGGTGACAC[G>C]GGTGTACACCCCAGGCTTGTTCACCTCTGCGCAGCCGATGCCAAAGCTGGTCGCTCCCAC-3'
Protein context (NP_001243246.1, residues 425-445): AEVNKPGVYT[Arg435Gly]VTSFLDWIHE